The following is an entry in ClinVar:

ClinVar aggregate classification (germline): Uncertain significance (1 of 4 stars; one submission).

Conditions:
Dystonic disorder. Also called: Dystonia. Identifiers: MedGen C0013421, MONDO:0003441, HP:0001332.

Allele frequency attached by ClinVar (database versions not stated): gnomAD 0.00001; gnomAD exomes 0.00001.
gnomAD v4.1: 18 of 1,613,808 alleles (0.0011%); highest among the groups gnomAD compares: Non-Finnish European, 0.0014%; no homozygotes.

Submission:

Labcorp Genetics (formerly Invitae), Labcorp
Classification: Uncertain significance for Dystonic disorder. Last evaluated: 2024-08-01. Review status: criteria provided, single submitter. Criteria: Invitae Variant Classification Sherloc (09022015). Collection method: clinical testing. Allele origin: germline.
Comment: This sequence change replaces isoleucine, which is neutral and non-polar, with threonine, which is neutral and polar, at codon 337 of the ANO3 protein (p.Ile337Thr). This variant is not present in population databases (gnomAD no frequency). This variant has not been reported in the literature in individuals affected with ANO3-related conditions. Advanced modeling of protein sequence and biophysical properties (such as structural, functional, and spatial information, amino acid conservation, physicochemical variation, residue mobility, and thermodynamic stability) performed at Invitae indicates that this missense variant is not expected to disrupt ANO3 protein function with a negative predictive value of 80%. In summary, the available evidence is currently insufficient to determine the role of this variant in disease. Therefore, it has been classified as a Variant of Uncertain Significance.

NM_031418.4(ANO3):c.1010T>C (p.Ile337Thr)

Gene: ANO3 (anoctamin 3; plus strand). Cytogenetic location: 11p14.2.
Variant type: single nucleotide variant.
Coding change: c.1010T>C on transcript NM_031418.4 (MANE Select); coding-DNA position 1010, T replaced by C.
Protein change: p.Ile337Thr; replaces isoleucine 337 with threonine.
Molecular consequence: missense variant.
Genome position (GRCh38, 1-based): chr11:26,537,439, T>C. VCF-style: chr11-26537439-T-C. GRCh37 (hg19) VCF-style: chr11-26558986-T-C.
Other names: c.1193T>C, p.Ile398Thr (NM_001313726.2); c.572T>C, p.Ile191Thr (NM_001313727.2); short protein forms I337T, I398T, I191T.
Identifiers: ClinVar variation 2885544 (VCV002885544.3), dbSNP rs1343365413, ClinGen allele CA379931632.